The following is an entry in ClinVar:

NM_022437.3(ABCG8):c.351G>A (p.Val117=)

Gene: ABCG8 (ATP binding cassette subfamily G member 8; plus strand). Cytogenetic location: 2p21.
Variant type: single nucleotide variant.
Coding change: c.351G>A on transcript NM_022437.3 (MANE Select); coding-DNA position 351, G replaced by A.
Protein change: p.Val117=; no amino-acid change (valine 117 retained).
Molecular consequence: synonymous variant.
Genome position (GRCh38, 1-based): chr2:43,851,612, G>A. VCF-style: chr2-43851612-G-A. GRCh37 (hg19) VCF-style: chr2-44078751-G-A.
Other names: c.351G>A, p.Val117= (NM_001357321.2).
Identifiers: ClinVar variation 498423 (VCV000498423.19), dbSNP rs41281459, ClinGen allele CA1636992.

ClinVar aggregate classification (germline): Conflicting classifications of pathogenicity. Review status: criteria provided, conflicting classifications (1 of 4 stars). 5 submissions from 5 submitters: Uncertain significance (1); Likely benign (3). 1 of the submissions does not count toward it. Last evaluated 2025-12-24.

Conditions:
Cardiovascular phenotype. Identifiers: MedGen CN230736.
ABCG8-related disorder. Also called: ABCG8-related condition.

Allele frequency attached by ClinVar (database versions not stated): ExAC 0.00004; gnomAD exomes 0.00007; TOPMed 0.00007.
gnomAD v4.1: 126 of 1,614,090 alleles (0.0078%); highest among the groups gnomAD compares: Admixed American, 0.017%; no homozygotes.

Submissions (5):

Labcorp Genetics (formerly Invitae), Labcorp
Classification: Likely benign. Last evaluated: 2025-12-24. Review status: criteria provided, single submitter. Criteria: Invitae Variant Classification Sherloc (09022015). Collection method: clinical testing. Allele origin: germline.

Blueprint Genetics
Classification: Likely benign. Last evaluated: 2024-10-14. Review status: criteria provided, single submitter. Criteria: ACMG Guidelines, 2015. Collection method: clinical testing. Allele origin: germline.

Ambry Genetics
Classification: Likely benign for Cardiovascular phenotype. Last evaluated: 2022-10-11. Review status: criteria provided, single submitter. Criteria: Ambry Variant Classification Scheme 2023. Collection method: clinical testing. Allele origin: germline.

Eurofins Ntd Llc (ga)
Classification: Uncertain significance. Last evaluated: 2016-12-08. Review status: criteria provided, single submitter. Criteria: EGL Classification Definitions 2015. Collection method: clinical testing. Allele origin: germline. Observed: 1 variant allele, 1 heterozygote.

PreventionGenetics, part of Exact Sciences
Classification: Likely benign for ABCG8-related condition. Last evaluated: 2021-04-07. Review status: no assertion criteria provided. Collection method: clinical testing. Allele origin: germline. Not counted in ClinVar's aggregate classification.
Comment: This variant is classified as likely benign based on ACMG/AMP sequence variant interpretation guidelines (Richards et al. 2015 PMID: 25741868, with internal and published modifications).